The following is an entry in ClinVar:

NM_001035.3(RYR2):c.2736G>C (p.Lys912Asn)

Gene: RYR2 (ryanodine receptor 2; plus strand). Cytogenetic location: 1q43.
Variant type: single nucleotide variant.
Coding change: c.2736G>C on transcript NM_001035.3 (MANE Select); coding-DNA position 2736, G replaced by C.
Protein change: p.Lys912Asn; replaces lysine 912 with asparagine.
Molecular consequence: missense variant.
Genome position (GRCh38, 1-based): chr1:237,511,705, G>C. VCF-style: chr1-237511705-G-C. GRCh37 (hg19) VCF-style: chr1-237675005-G-C.
Other names: short protein forms K912N.
Identifiers: ClinVar variation 3385694 (VCV003385694.1).
Genomic context (GRCh38, chr1:237,511,705, plus strand): 5'-GGCATTGGAGACTATTTTATGTCAATTTCCTGTCCTGTTTCAGGTTAGAGATGACAACAA[G>C]AGACAACACCCATGCCTGGTGGAGTTCTCCAAGCTGCCTGAACAGGAGCGCAATTACAAC-3'
Protein context (NP_001026.2, residues 902-922): WQYGPVRDDN[Lys912Asn]RQHPCLVEFS

ClinVar aggregate classification (germline): Uncertain significance (1 of 4 stars; one submission).

Conditions:
Catecholaminergic polymorphic ventricular tachycardia (CVPT). Also called: Catecholamine-induced polymorphic ventricular tachycardia. Identifiers: Orphanet 3286, MedGen C5574922, MONDO:0017990.

Submission:

All of Us Research Program, National Institutes of Health
Classification: Uncertain significance for Catecholaminergic polymorphic ventricular tachycardia. Last evaluated: 2024-08-06. Review status: criteria provided, single submitter. Criteria: ACMG Guidelines, 2015. Collection method: clinical testing. Allele origin: germline. Inheritance: Autosomal dominant inheritance. Observed: 1 variant allele, 1 heterozygote.
Comment: This study involves interpretation of variants in research participants for the purpose of population health screening. Participant phenotype was not available at the time of variant classification. Additional details can be found in publication PMID: 35346344, PMCID: PMC8962531